The following is an entry in ClinVar:

ClinVar aggregate classification (germline): Likely benign (1 of 4 stars; one submission).

Submission:

CeGaT Center for Human Genetics Tuebingen
Classification: Likely benign. Last evaluated: 2025-07-01. Review status: criteria provided, single submitter. Criteria: CeGaT Center For Human Genetics Tuebingen Variant Classification Criteria Version 2. Collection method: clinical testing. Allele origin: germline. Affected: yes. Observed: 1 variant allele.
Comment: HYDIN: PM2:Supporting, BP4, BP7

NM_001270974.2(HYDIN):c.4710A>C (p.Thr1570=)

Gene: HYDIN (HYDIN axonemal central pair apparatus protein; minus strand). Cytogenetic location: 16q22.2.
Variant type: single nucleotide variant.
Coding change: c.4710A>C on transcript NM_001270974.2 (MANE Select); coding-DNA position 4710, A replaced by C.
Protein change: p.Thr1570=; no amino-acid change (threonine 1570 retained).
Molecular consequence: synonymous variant.
Genome position (GRCh38, 1-based): chr16:70,975,198, T>G on the plus strand (A>C on the coding strand, the complement: HYDIN is on the minus strand). VCF-style: chr16-70975198-T-G. GRCh37 (hg19) VCF-style: chr16-71009101-T-G.
Identifiers: ClinVar variation 4083639 (VCV004083639.8).